The following is an entry in ClinVar:

ClinVar aggregate classification (germline): Uncertain significance. Review status: criteria provided, multiple submitters, no conflicts (2 of 4 stars). 2 submissions from 2 submitters: Uncertain significance (2). Last evaluated 2025-01-06.

Conditions:
Dyskeratosis congenita, autosomal dominant 2. Identifiers: MedGen C3151443, MONDO:0013521, OMIM 613989.
Idiopathic Pulmonary Fibrosis. Also called: Idiopathic fibrosing alveolitis, chronic form; idiopathic fibrosing alveolitis. Identifiers: Orphanet 2032, MedGen C1800706, MeSH D054990, MONDO:0800504.
Dyskeratosis congenita. Identifiers: Orphanet 1775, MedGen C0265965, MONDO:0015780.

Submissions (2):

Ambry Genetics
Classification: Uncertain significance for Dyskeratosis congenita. Last evaluated: 2025-01-06. Review status: criteria provided, single submitter. Criteria: Ambry Variant Classification Scheme 2023. Collection method: clinical testing. Allele origin: germline.
Comment: The p.Q1024H variant (also known as c.3072A>T), located in coding exon 14 of the TERT gene, results from an A to T substitution at nucleotide position 3072. The glutamine at codon 1024 is replaced by histidine, an amino acid with highly similar properties. This amino acid position is conserved. In addition, this alteration is predicted to be tolerated by in silico analysis. Based on the available evidence, the clinical significance of this variant remains unclear.

Labcorp Genetics (formerly Invitae), Labcorp
Classification: Uncertain significance for Dyskeratosis congenita, autosomal dominant 2; Idiopathic Pulmonary Fibrosis. Last evaluated: 2022-09-15. Review status: criteria provided, single submitter. Criteria: Invitae Variant Classification Sherloc (09022015). Collection method: clinical testing. Allele origin: germline.
Comment: This sequence change replaces glutamine, which is neutral and polar, with histidine, which is basic and polar, at codon 1024 of the TERT protein (p.Gln1024His). This variant is not present in population databases (gnomAD no frequency). This variant has not been reported in the literature in individuals affected with TERT-related conditions. Advanced modeling of protein sequence and biophysical properties (such as structural, functional, and spatial information, amino acid conservation, physicochemical variation, residue mobility, and thermodynamic stability) performed at Invitae indicates that this missense variant is not expected to disrupt TERT protein function. In summary, the available evidence is currently insufficient to determine the role of this variant in disease. Therefore, it has been classified as a Variant of Uncertain Significance.

NM_198253.3(TERT):c.3072A>T (p.Gln1024His)

Gene: TERT (telomerase reverse transcriptase; minus strand). Cytogenetic location: 5p15.33.
Variant type: single nucleotide variant.
Coding change: c.3072A>T on transcript NM_198253.3 (MANE Select); coding-DNA position 3072, A replaced by T.
Protein change: p.Gln1024His; replaces glutamine 1024 with histidine.
Molecular consequence: missense variant. On other transcripts: non-coding transcript variant (2).
Genome position (GRCh38, 1-based): chr5:1,255,372, T>A on the plus strand (A>T on the coding strand, the complement: TERT is on the minus strand). VCF-style: chr5-1255372-T-A. GRCh37 (hg19) VCF-style: chr5-1255487-T-A.
Other names: c.2883A>T, p.Gln961His (NM_001193376.3); c.3072A>T, p.Gln1024His (NM_003219.1); short protein forms Q961H, Q1024H.
Identifiers: ClinVar variation 2064700 (VCV002064700.5), dbSNP rs2478083817, ClinGen allele CA359068279.
Genomic context (GRCh38, chr5:1,255,372, plus strand): 5'-GTAGCAGAGGGAGGCCGTGTCAGAGATGACGCGCAGGAAAAATGTGGGGTTCTTCCAAAC[T>A]TGCTGATGAAATGGGAGCTGCAGCACACATGCGTGAAACCTGAGAGGATGGCGGACAGCG-3'
Protein context (NP_937983.2, residues 1014-1034): ACVLQLPFHQ[Gln1024His]VWKNPTFFLR